The following is an entry in ClinVar:

NM_003060.4(SLC22A5):c.680G>T (p.Arg227Leu)

Gene: SLC22A5 (solute carrier family 22 member 5; plus strand). Cytogenetic location: 5q31.1.
Variant type: single nucleotide variant.
Coding change: c.680G>T on transcript NM_003060.4 (MANE Select); coding-DNA position 680, G replaced by T.
Protein change: p.Arg227Leu; replaces arginine 227 with leucine.
Molecular consequence: missense variant.
Genome position (GRCh38, 1-based): chr5:132,385,355, G>T. VCF-style: chr5-132385355-G-T. GRCh37 (hg19) VCF-style: chr5-131721047-G-T.
Other names: c.752G>T, p.Arg251Leu (NM_001308122.2); short protein forms R227L, R251L.
Identifiers: ClinVar variation 1480526 (VCV001480526.8), dbSNP rs185551386, ClinGen allele CA360804992.
Genomic context (GRCh38, chr5:132,385,355, plus strand): 5'-AACTGCTAACTCGACCTCCCTTGTTTTGAACAGGGACAGAAATTCTTGGCAAGTCAGTTC[G>T]TATAATATTCTCTACGTTAGGAGTGTGCATATTTTATGCATTTGGCTACATGGTGCTGCC-3'
Protein context (NP_003051.1, residues 217-237): LGTEILGKSV[Arg227Leu]IIFSTLGVCI

ClinVar aggregate classification (germline): Likely pathogenic (1 of 4 stars; one submission).

Conditions:
Renal carnitine transport defect (CDSP). Also called: Primary carnitine deficiency; Systemic primary carnitine deficiency; CARNITINE DEFICIENCY, SYSTEMIC, DUE TO DEFECT IN RENAL REABSORPTION OF CARNITINE; CARNITINE TRANSPORTER, PLASMA-MEMBRANE, DEFICIENCY OF; CARNITINE UPTAKE DEFECT; Carnitine transporter deficiency. Identifiers: Orphanet 158, MedGen C0342788, MONDO:0008919, OMIM 212140.

Submission:

Labcorp Genetics (formerly Invitae), Labcorp
Classification: Likely pathogenic for Renal carnitine transport defect. Last evaluated: 2020-11-26. Review status: criteria provided, single submitter. Criteria: Invitae Variant Classification Sherloc (09022015). Collection method: clinical testing. Allele origin: germline.
Comment: This variant disrupts the p.Arg227 amino acid residue in SLC22A5. Other variant(s) that disrupt this residue have been determined to be pathogenic (PMID: 20574985, 26828774, Invitae and an online resource). This suggests that this residue is clinically significant, and that variants that disrupt this residue are likely to be disease-causing. Advanced modeling of protein sequence and biophysical properties (such as structural, functional, and spatial information, amino acid conservation, physicochemical variation, residue mobility, and thermodynamic stability) performed at Invitae indicates that this missense variant is expected to disrupt SLC22A5 protein function. This variant has not been reported in the literature in individuals with SLC22A5-related conditions. This variant is not present in population databases (ExAC no frequency). This sequence change replaces arginine with leucine at codon 227 of the SLC22A5 protein (p.Arg227Leu). The arginine residue is highly conserved and there is a moderate physicochemical difference between arginine and leucine. In summary, the currently available evidence indicates that the variant is pathogenic, but additional data are needed to prove that conclusively. Therefore, this variant has been classified as Likely Pathogenic.

Literature cited by the submitters: PubMed 20574985; PubMed 26828774; PubMed 2.